The following is an entry in ClinVar:

NM_001368397.1(FRMPD4):c.3593G>A (p.Arg1198Gln)

Gene: FRMPD4 (FERM and PDZ domain containing 4; plus strand). Cytogenetic location: Xp22.2.
Variant type: single nucleotide variant.
Coding change: c.3593G>A on transcript NM_001368397.1 (MANE Select); coding-DNA position 3593, G replaced by A.
Protein change: p.Arg1198Gln; replaces arginine 1198 with glutamine.
Molecular consequence: missense variant.
Genome position (GRCh38, 1-based): chrX:12,718,419, G>A. VCF-style: chrX-12718419-G-A. GRCh37 (hg19) VCF-style: chrX-12736538-G-A.
Other names: c.3704G>A, p.Arg1235Gln (NM_001368395.3, NM_001368398.3); c.3599G>A, p.Arg1200Gln (NM_001368396.3); c.3584G>A, p.Arg1195Gln (NM_001368399.3); c.3473G>A, p.Arg1158Gln (NM_001368400.3); c.3569G>A, p.Arg1190Gln (NM_001368401.1, NM_001368402.3); c.3593G>A, p.Arg1198Gln (NM_014728.3); short protein forms R1158Q, R1190Q, R1195Q, R1198Q, R1200Q, R1235Q.
Identifiers: ClinVar variation 1333976 (VCV001333976.6), dbSNP rs376320353, ClinGen allele CA10349630.

ClinVar aggregate classification (germline): Conflicting classifications of pathogenicity. Review status: criteria provided, conflicting classifications (1 of 4 stars). 4 submissions from 4 submitters: Uncertain significance (3); Likely benign (1). Last evaluated 2026-04-07.

Conditions:
Intellectual developmental disorder, X-linked 104. Also called: Intellectual disability, X-linked 104. Identifiers: MedGen C4310817, MONDO:0010509, OMIM 300983.

Allele frequency attached by ClinVar (database versions not stated): ExAC 0.00001; gnomAD 0.00003; TOPMed 0.00006; ESP Exome Variant Server 0.00009; gnomAD exomes 0.00001.
gnomAD v4.1: 17 of 1,209,413 alleles (0.0014%); highest among the groups gnomAD compares: Middle Eastern, 0.023%; no homozygotes.

Submissions (4):

Women's Health and Genetics/Laboratory Corporation of America, LabCorp
Classification: Uncertain significance. Last evaluated: 2026-04-07. Review status: criteria provided, single submitter. Criteria: LabCorp Variant Classification Summary - May 2015. Collection method: clinical testing. Allele origin: germline.
Comment: Variant summary: FRMPD4 c.3593G>A (p.Arg1198Gln) results in a conservative amino acid change in the encoded protein sequence. Algorithms developed to predict the effect of missense changes on protein structure and function are either unavailable or do not agree on the potential impact of this missense change. The variant was absent in 183375 control chromosomes. The available data on variant occurrences in the general population are insufficient to allow any conclusion about variant significance. To our knowledge, no occurrence of c.3593G>A in individuals affected with FRMPD4-related conditions and no experimental evidence demonstrating its impact on protein function have been reported. ClinVar contains an entry for this variant (Variation ID: 1333976). Based on the evidence outlined above, the variant was classified as uncertain significance.

CeGaT Center for Human Genetics Tuebingen
Classification: Likely benign. Last evaluated: 2026-04-01. Review status: criteria provided, single submitter. Criteria: CeGaT Center For Human Genetics Tuebingen Variant Classification Criteria Version 2. Collection method: clinical testing. Allele origin: germline. Affected: yes. Observed: 1 variant allele.
Comment: FRMPD4: BS2

GeneDx
Classification: Uncertain significance. Last evaluated: 2022-04-15. Review status: criteria provided, single submitter. Criteria: GeneDx Variant Classification Process June 2021. Collection method: clinical testing. Allele origin: germline. Affected: yes.
Comment: In silico analysis supports that this missense variant does not alter protein structure/function; Has not been previously published as pathogenic or benign to our knowledge

CENTOGENE GmbH and LLC - Guiding Precision Medicine
Classification: Uncertain significance for Intellectual developmental disorder, X-linked 104. Last evaluated: 2019-04-17. Review status: criteria provided, single submitter. Criteria: ACMG Guidelines, 2015. Collection method: clinical testing. Allele origin: germline. Affected: yes.